The following is an entry in ClinVar:

NM_001378457.1(DMXL2):c.8880C>G (p.Phe2960Leu)

Genes: DMXL2 (Dmx like 2; minus strand), LOC126862131 (MED14-independent group 3 enhancer GRCh37_chr15:51741640-51742839; plus strand). Cytogenetic location: 15q21.2.
Variant type: single nucleotide variant.
Coding change: c.8880C>G on transcript NM_001378457.1 (MANE Select); coding-DNA position 8880, C replaced by G.
Protein change: p.Phe2960Leu; replaces phenylalanine 2960 with leucine.
Molecular consequence: missense variant. On other transcripts: non-coding transcript variant (2).
Genome position (GRCh38, 1-based): chr15:51,450,216, G>C on the plus strand (C>G on the coding strand, the complement: DMXL2 is on the minus strand). VCF-style: chr15-51450216-G-C. GRCh37 (hg19) VCF-style: chr15-51742413-G-C.
Other names: c.8817C>G, p.Phe2939Leu (NM_001174116.3); c.6906C>G, p.Phe2302Leu (NM_001174117.3); c.8877C>G, p.Phe2959Leu (NM_001378458.1); c.8592C>G, p.Phe2864Leu (NM_001378459.1); c.6795C>G, p.Phe2265Leu (NM_001378460.1); c.8814C>G, p.Phe2938Leu (NM_015263.5); c.8817C>G (NM_001174116.1); short protein forms F2265L, F2939L, F2959L, F2960L, F2938L, F2302L, F2864L.
Identifiers: ClinVar variation 1971668 (VCV001971668.6), dbSNP rs777623380, ClinGen allele CA7560875.

ClinVar aggregate classification (germline): Uncertain significance. Review status: criteria provided, multiple submitters, no conflicts (2 of 4 stars). 2 submissions from 2 submitters: Uncertain significance (2). Last evaluated 2025-07-14.

Conditions:
Inborn genetic diseases. Identifiers: MedGen C0950123, MeSH D030342.

Allele frequency attached by ClinVar (database versions not stated): ExAC 0.00002.
gnomAD v4.1: 15 of 1,614,050 alleles (0.00093%); highest among the groups gnomAD compares: Non-Finnish European, 0.0013%; no homozygotes.

Submissions (2):

Ambry Genetics
Classification: Uncertain significance for Inborn genetic diseases. Last evaluated: 2025-07-14. Review status: criteria provided, single submitter. Criteria: Ambry Variant Classification Scheme 2023. Collection method: clinical testing. Allele origin: germline.

Labcorp Genetics (formerly Invitae), Labcorp
Classification: Uncertain significance. Last evaluated: 2023-07-17. Review status: criteria provided, single submitter. Criteria: Invitae Variant Classification Sherloc (09022015). Collection method: clinical testing. Allele origin: germline.
Comment: In summary, the available evidence is currently insufficient to determine the role of this variant in disease. Therefore, it has been classified as a Variant of Uncertain Significance. An algorithm developed to predict the effect of missense changes on protein structure and function (PolyPhen-2) suggests that this variant is likely to be disruptive. ClinVar contains an entry for this variant (Variation ID: 1971668). This variant has not been reported in the literature in individuals affected with DMXL2-related conditions. This variant is present in population databases (rs777623380, gnomAD 0.003%). This sequence change replaces phenylalanine, which is neutral and non-polar, with leucine, which is neutral and non-polar, at codon 2939 of the DMXL2 protein (p.Phe2939Leu).